The following is an entry in ClinVar:

NM_001278064.2(GRM1):c.813C>T (p.Asp271=)

Gene: GRM1 (glutamate metabotropic receptor 1; plus strand). Cytogenetic location: 6q24.3.
Variant type: single nucleotide variant.
Coding change: c.813C>T on transcript NM_001278064.2 (MANE Select); coding-DNA position 813, C replaced by T.
Protein change: p.Asp271=; no amino-acid change (aspartic acid 271 retained).
Molecular consequence: synonymous variant.
Genome position (GRCh38, 1-based): chr6:146,159,460, C>T. VCF-style: chr6-146159460-C-T. GRCh37 (hg19) VCF-style: chr6-146480596-C-T.
Other names: c.813C>T, p.Asp271= (NM_001278065.2, NM_001278066.1, NM_001278067.1).
Identifiers: ClinVar variation 746805 (VCV000746805.20), dbSNP rs201053682, ClinGen allele CA4037116.
Genomic context (GRCh38, chr6:146,159,460, plus strand): 5'-AGGCCTCTGTATCGCCCATTCTGACAAAATCTACAGCAACGCTGGGGAGAAGAGCTTTGA[C>T]CGACTCTTGCGCAAACTCCGAGAGAGGCTTCCCAAGGCTAGAGTGGTGGTCTGCTTCTGT-3'
Protein context (NP_001264993.1, residues 261-281): IYSNAGEKSF[Asp271=]RLLRKLRERL

ClinVar aggregate classification (germline): Benign/Likely benign. Review status: criteria provided, multiple submitters, no conflicts (2 of 4 stars). 2 submissions from 2 submitters: Benign (1); Likely benign (1). Last evaluated 2024-07-01.

Allele frequency attached by ClinVar (database versions not stated): gnomAD 0.00003 and 0.00004; gnomAD exomes 0.00004 and 0.00018; TOPMed 0.00009; ExAC 0.00016; 1000 Genomes Project 30x 0.00031; 1000 Genomes Project 0.00040.
gnomAD v4.1: 70 of 1,614,192 alleles (0.0043%); highest among the groups gnomAD compares: East Asian, 0.1%; no homozygotes.

Submissions (2):

CeGaT Center for Human Genetics Tuebingen
Classification: Likely benign. Last evaluated: 2024-07-01. Review status: criteria provided, single submitter. Criteria: CeGaT Center For Human Genetics Tuebingen Variant Classification Criteria Version 2. Collection method: clinical testing. Allele origin: germline. Affected: yes. Observed: 1 variant allele.
Comment: GRM1: BP4, BP7

Labcorp Genetics (formerly Invitae), Labcorp
Classification: Benign. Last evaluated: 2018-04-06. Review status: criteria provided, single submitter. Criteria: Invitae Variant Classification Sherloc (09022015). Collection method: clinical testing. Allele origin: germline.